The following is an entry in ClinVar:

NM_025103.4(IFT74):c.1587A>G (p.Leu529=)

Gene: IFT74 (intraflagellar transport 74; plus strand). Cytogenetic location: 9p21.2.
Variant type: single nucleotide variant.
Coding change: c.1587A>G on transcript NM_025103.4 (MANE Select); coding-DNA position 1587, A replaced by G.
Protein change: p.Leu529=; no amino-acid change (leucine 529 retained).
Molecular consequence: synonymous variant.
Genome position (GRCh38, 1-based): chr9:27,056,423, A>G. VCF-style: chr9-27056423-A-G. GRCh37 (hg19) VCF-style: chr9-27056421-A-G.
Other names: c.1587A>G, p.Leu529= (NM_001099222.3, NM_001099223.3, NM_001349928.2); c.1587A>G (NM_025103.2).
Identifiers: ClinVar variation 2117634 (VCV002117634.5), dbSNP rs2489726834, ClinGen allele CA464170372.

ClinVar aggregate classification (germline): Likely benign. Review status: criteria provided, multiple submitters, no conflicts (2 of 4 stars). 2 submissions from 2 submitters: Likely benign (2). Last evaluated 2026-03-19.

Conditions:
IFT74-related disorder. Also called: IFT74-related condition; IFT74-Related Disorders.

Allele frequency attached by ClinVar (database versions not stated): gnomAD exomes 0.00001.
gnomAD v4.1: 3 of 1,600,554 alleles (0.00019%); highest among the groups gnomAD compares: Admixed American, 0.0017%; no homozygotes.

Submissions (2):

PreventionGenetics, part of Exact Sciences
Classification: Likely benign for IFT74-related condition. Last evaluated: 2026-03-19. Review status: criteria provided, single submitter. Criteria: ACMG Guidelines, 2015. Collection method: clinical testing. Allele origin: germline.
Comment: This variant is classified as likely benign based on ACMG/AMP sequence variant interpretation guidelines (Richards et al. 2015 PMID: 25741868, with internal and published modifications).

Labcorp Genetics (formerly Invitae), Labcorp
Classification: Likely benign. Last evaluated: 2022-03-27. Review status: criteria provided, single submitter. Criteria: Invitae Variant Classification Sherloc (09022015). Collection method: clinical testing. Allele origin: germline.